The following is an entry in ClinVar:

NM_014000.3(VCL):c.1465G>A (p.Ala489Thr)

Gene: VCL (vinculin; plus strand). Cytogenetic location: 10q22.2.
Variant type: single nucleotide variant.
Coding change: c.1465G>A on transcript NM_014000.3 (MANE Select); coding-DNA position 1465, G replaced by A.
Protein change: p.Ala489Thr; replaces alanine 489 with threonine.
Molecular consequence: missense variant.
Genome position (GRCh38, 1-based): chr10:74,094,383, G>A. VCF-style: chr10-74094383-G-A. GRCh37 (hg19) VCF-style: chr10-75854141-G-A.
Other names: c.1465G>A, p.Ala489Thr (NM_003373.4); short protein forms A489T.
Identifiers: ClinVar variation 1308741 (VCV001308741.7), dbSNP rs1449290312, ClinGen allele CA377273868.

ClinVar aggregate classification (germline): Uncertain significance. Review status: criteria provided, multiple submitters, no conflicts (2 of 4 stars). 3 submissions from 3 submitters: Uncertain significance (3). Last evaluated 2024-09-15.

Conditions:
Hypertrophic cardiomyopathy 15. Identifiers: MedGen C2750459, MONDO:0013200, OMIM 613255.
Dilated cardiomyopathy 1W (CMD1W). Identifiers: Orphanet 154, MedGen C1969639, MONDO:0012667, OMIM 611407.

Allele frequency attached by ClinVar (database versions not stated): gnomAD exomes below 0.00001; TOPMed below 0.00001; gnomAD 0.00001.
gnomAD v4.1: 2 of 1,614,084 alleles (0.00012%); highest among the groups gnomAD compares: Non-Finnish European, 0.00017%; no homozygotes.

Submissions (3):

Labcorp Genetics (formerly Invitae), Labcorp
Classification: Uncertain significance for Dilated cardiomyopathy 1W. Last evaluated: 2024-09-15. Review status: criteria provided, single submitter. Criteria: Invitae Variant Classification Sherloc (09022015). Collection method: clinical testing. Allele origin: germline.
Comment: This sequence change replaces alanine, which is neutral and non-polar, with threonine, which is neutral and polar, at codon 489 of the VCL protein (p.Ala489Thr). This variant is not present in population databases (gnomAD no frequency). This variant has not been reported in the literature in individuals affected with VCL-related conditions. ClinVar contains an entry for this variant (Variation ID: 1308741). An algorithm developed to predict the effect of missense changes on protein structure and function (PolyPhen-2) suggests that this variant is likely to be disruptive. In summary, the available evidence is currently insufficient to determine the role of this variant in disease. Therefore, it has been classified as a Variant of Uncertain Significance.

Fulgent Genetics
Classification: Uncertain significance for Dilated cardiomyopathy 1W; Hypertrophic cardiomyopathy 15. Last evaluated: 2021-09-23. Review status: criteria provided, single submitter. Criteria: ACMG Guidelines, 2015. Collection method: clinical testing. Allele origin: unknown.

GeneDx
Classification: Uncertain significance. Last evaluated: 2019-09-20. Review status: criteria provided, single submitter. Criteria: GeneDx Variant Classification Process June 2021. Collection method: clinical testing. Allele origin: germline. Affected: yes.
Comment: Has not been previously published as pathogenic or benign to our knowledge; Not observed in large population cohorts (Lek et al., 2016); In silico analysis, which includes protein predictors and evolutionary conservation, supports that this variant does not alter protein structure/function